The following is an entry in ClinVar:

NM_033026.6(PCLO):c.1451C>G (p.Pro484Arg)

Gene: PCLO (piccolo presynaptic cytomatrix protein; minus strand). Cytogenetic location: 7q21.11.
Variant type: single nucleotide variant.
Coding change: c.1451C>G on transcript NM_033026.6 (MANE Select); coding-DNA position 1451, C replaced by G.
Protein change: p.Pro484Arg; replaces proline 484 with arginine.
Molecular consequence: missense variant.
Genome position (GRCh38, 1-based): chr7:83,155,190, G>C on the plus strand (C>G on the coding strand, the complement: PCLO is on the minus strand). VCF-style: chr7-83155190-G-C. GRCh37 (hg19) VCF-style: chr7-82784506-G-C.
Other names: c.1451C>G, p.Pro484Arg (NM_014510.3); short protein forms P484R.
Identifiers: ClinVar variation 1522355 (VCV001522355.6), dbSNP rs780480882, ClinGen allele CA4321459.
Genomic context (GRCh38, chr7:83,155,190, plus strand): 5'-GGCTGTTGAGATGGGGGCTTTGCTGAGCCAGGCTGTTGAGGTGGGGGCTTTGCTGGGCCA[G>C]GCTGTTGAGGTGGGGGCTTTGCTGGGCCAGGCAGTTGTGAAGGAGGCTTTGTTGGGCCAG-3'
Protein context (NP_149015.2, residues 474-494): PGPAKPPPQQ[Pro484Arg]GPAKPPPQQP

ClinVar aggregate classification (germline): Uncertain significance (1 of 4 stars; one submission).

Allele frequency attached by ClinVar (database versions not stated): ExAC 0.00001; gnomAD exomes 0.00001; gnomAD 0.00005.
gnomAD v4.1: 10 of 1,611,532 alleles (0.00062%); highest among the groups gnomAD compares: African/African-American, 0.013%; no homozygotes.

Submission:

Labcorp Genetics (formerly Invitae), Labcorp
Classification: Uncertain significance. Last evaluated: 2024-06-17. Review status: criteria provided, single submitter. Criteria: Invitae Variant Classification Sherloc (09022015). Collection method: clinical testing. Allele origin: germline.
Comment: This sequence change replaces proline, which is neutral and non-polar, with arginine, which is basic and polar, at codon 484 of the PCLO protein (p.Pro484Arg). This variant is present in population databases (rs780480882, gnomAD 0.02%). This variant has not been reported in the literature in individuals affected with PCLO-related conditions. ClinVar contains an entry for this variant (Variation ID: 1522355). An algorithm developed to predict the effect of missense changes on protein structure and function (PolyPhen-2) suggests that this variant is likely to be disruptive. In summary, the available evidence is currently insufficient to determine the role of this variant in disease. Therefore, it has been classified as a Variant of Uncertain Significance.